The following is an entry in ClinVar:

ClinVar aggregate classification (germline): Likely benign (1 of 4 stars; one submission).

Allele frequency attached by ClinVar (database versions not stated): 1000 Genomes Project 0.00140; 1000 Genomes Project 30x 0.00156; gnomAD exomes 0.00484; TOPMed 0.00502; ExAC 0.00590; gnomAD 0.00592; ESP Exome Variant Server 0.00661.
gnomAD v4.1: 8,046 of 1,613,944 alleles (0.5%); highest among the groups gnomAD compares: Non-Finnish European, 0.49%; 68 homozygotes.

Submission:

CeGaT Center for Human Genetics Tuebingen
Classification: Likely benign. Last evaluated: 2023-01-01. Review status: criteria provided, single submitter. Criteria: CeGaT Center For Human Genetics Tuebingen Variant Classification Criteria Version 2. Collection method: clinical testing. Allele origin: germline. Affected: yes. Observed: 1 variant allele.
Comment: PLBD1: BP4, BS2

NM_024829.6(PLBD1):c.1313G>A (p.Arg438Gln)

Gene: PLBD1 (phospholipase B domain containing 1; minus strand). Cytogenetic location: 12p13.1.
Variant type: single nucleotide variant.
Coding change: c.1313G>A on transcript NM_024829.6 (MANE Select); coding-DNA position 1313, G replaced by A.
Protein change: p.Arg438Gln; replaces arginine 438 with glutamine.
Molecular consequence: missense variant.
Genome position (GRCh38, 1-based): chr12:14,506,992, C>T on the plus strand (G>A on the coding strand, the complement: PLBD1 is on the minus strand). VCF-style: chr12-14506992-C-T. GRCh37 (hg19) VCF-style: chr12-14659926-C-T.
Other names: short protein forms R438Q.
Identifiers: ClinVar variation 2642755 (VCV002642755.24), dbSNP rs75778757, ClinGen allele CA6462500.